The following is an entry in ClinVar:

ClinVar aggregate classification (germline): Pathogenic (1 of 4 stars; one submission).

Conditions:
Rhabdoid tumor predisposition syndrome 2 (RTPS2). Identifiers: Orphanet 231108, Orphanet 69077, MedGen C2750074, MONDO:0013224, OMIM 613325.

Submission:

Labcorp Genetics (formerly Invitae), Labcorp
Classification: Pathogenic for Rhabdoid tumor predisposition syndrome 2. Last evaluated: 2024-11-16. Review status: criteria provided, single submitter. Criteria: Invitae Variant Classification Sherloc (09022015). Collection method: clinical testing. Allele origin: germline.
Comment: This sequence change creates a premature translational stop signal (p.Pro240Argfs*63) in the SMARCA4 gene. It is expected to result in an absent or disrupted protein product. Loss-of-function variants in SMARCA4 are known to be pathogenic (PMID: 24658001, 24658002). This variant is not present in population databases (gnomAD no frequency). This variant has not been reported in the literature in individuals affected with SMARCA4-related conditions. For these reasons, this variant has been classified as Pathogenic.

Literature cited by the submitters: PubMed 24658001; PubMed 24658002.

NM_003072.5(SMARCA4):c.719del (p.Pro240fs)

Gene: SMARCA4 (SWI/SNF related BAF chromatin remodeling complex subunit ATPase 4; plus strand). Cytogenetic location: 19p13.2.
Variant type: Deletion.
Coding change: c.719del on transcript NM_003072.5 (MANE Select); coding-DNA position 719, one base deleted (C; older notation c.719delC).
Protein change: p.Pro240fs; shifts the reading frame from proline 240.
Molecular consequence: frameshift variant. On other transcripts: non-coding transcript variant (1).
Genome position (GRCh38, 1-based): chr19:10,986,552, C deleted; the last of 3 consecutive C bases (chr19:10,986,550-10,986,552); deleting any one gives the same sequence. VCF-style (leftmost placement, unchanged base first): chr19-10986549-GC-G. GRCh37 (hg19) VCF-style: chr19-11097225-GC-G.
Other names: c.719del, p.Pro240fs (NM_001128844.3, NM_001128845.2, NM_001128846.2 and 6 more transcripts); short protein forms P240fs.
Identifiers: ClinVar variation 3725348 (VCV003725348.2).